The following is an entry in ClinVar:

ClinVar aggregate classification (germline): Uncertain significance (0 of 4 stars; one submission).

Conditions:
CREBBP-related disorder. Also called: CREBBP-related condition; CREBBP-related disorders.

Submission:

PreventionGenetics, part of Exact Sciences
Classification: Uncertain significance for CREBBP-related condition. Last evaluated: 2024-03-18. Review status: no assertion criteria provided. Collection method: clinical testing. Allele origin: germline.
Comment: The CREBBP c.307G>C variant is predicted to result in the amino acid substitution p.Ala103Pro. To our knowledge, this variant has not been reported in the literature or in a large population database, indicating this variant is rare. At this time, the clinical significance of this variant is uncertain due to the absence of conclusive functional and genetic evidence.

NM_004380.3(CREBBP):c.307G>C (p.Ala103Pro)

Gene: CREBBP (CREB binding lysine acetyltransferase; minus strand). Cytogenetic location: 16p13.3.
Variant type: single nucleotide variant.
Coding change: c.307G>C on transcript NM_004380.3 (MANE Select); coding-DNA position 307, G replaced by C.
Protein change: p.Ala103Pro; replaces alanine 103 with proline.
Molecular consequence: missense variant.
Genome position (GRCh38, 1-based): chr16:3,850,788, C>G on the plus strand (G>C on the coding strand, the complement: CREBBP is on the minus strand). VCF-style: chr16-3850788-C-G. GRCh37 (hg19) VCF-style: chr16-3900789-C-G.
Other names: c.307G>C, p.Ala103Pro (NM_001079846.1); short protein forms A103P.
Identifiers: ClinVar variation 3354329 (VCV003354329.1).
Genomic context (GRCh38, chr16:3,850,788, plus strand): 5'-GAGGGCTCTTGCCCATGGCACTGAGGCTGGCCATGTTAGCACTGTTCGGCTGCCCTTGAG[C>G]CTGGCCACCCAGGCCCTGCTGCACGGGGCTGCTGGCGCTCACATTTCCTATTCCTGGGTT-3'
Protein context (NP_004371.2, residues 93-113): SPVQQGLGGQ[Ala103Pro]QGQPNSANMA